The following is an entry in ClinVar:

ClinVar aggregate classification (germline): Uncertain significance (1 of 4 stars; one submission).

Allele frequency attached by ClinVar (database versions not stated): gnomAD exomes below 0.00001.
gnomAD v4.1: 7 of 1,609,960 alleles (0.00043%); highest among the groups gnomAD compares: Non-Finnish European, 0.00051%; no homozygotes.

Submission:

Ambry Genetics
Classification: Uncertain significance. Last evaluated: 2024-11-01. Review status: criteria provided, single submitter. Criteria: Ambry Variant Classification Scheme 2023. Collection method: clinical testing. Allele origin: germline.
Comment: The p.N3K variant (also known as c.9T>A), located in coding exon 1 of the MNDA gene, results from a T to A substitution at nucleotide position 9. The asparagine at codon 3 is replaced by lysine, an amino acid with similar properties. This amino acid position is conserved. In addition, this alteration is predicted to be tolerated by in silico analysis. Since supporting evidence is limited at this time, the clinical significance of this alteration remains unclear.

NM_002432.3(MNDA):c.9T>A (p.Asn3Lys)

Gene: MNDA (myeloid cell nuclear differentiation antigen; plus strand). Cytogenetic location: 1q23.1.
Variant type: single nucleotide variant.
Coding change: c.9T>A on transcript NM_002432.3 (MANE Select); coding-DNA position 9, T replaced by A.
Protein change: p.Asn3Lys; replaces asparagine 3 with lysine.
Molecular consequence: missense variant.
Genome position (GRCh38, 1-based): chr1:158,842,162, T>A. VCF-style: chr1-158842162-T-A. GRCh37 (hg19) VCF-style: chr1-158811952-T-A.
Other names: short protein forms N3K.
Identifiers: ClinVar variation 1768943 (VCV001768943.3), dbSNP rs905408372, ClinGen allele CA31302693.